The following is an entry in ClinVar:

ClinVar aggregate classification (germline): Pathogenic (1 of 4 stars; one submission).

Submission:

Labcorp Genetics (formerly Invitae), Labcorp
Classification: Pathogenic. Last evaluated: 2026-01-23. Review status: criteria provided, single submitter. Criteria: Invitae Variant Classification Sherloc (09022015). Collection method: clinical testing. Allele origin: germline.
Comment: This sequence change creates a premature translational stop signal (p.Leu59Profs*71) in the CYP19A1 gene. It is expected to result in an absent or disrupted protein product. Loss-of-function variants in CYP19A1 are known to be pathogenic (PMID: 14602738, 27086564, 27256151). This variant is not present in population databases (gnomAD no frequency). This variant has not been reported in the literature in individuals affected with CYP19A1-related conditions. For these reasons, this variant has been classified as Pathogenic.

Literature cited by the submitters: PubMed 14602738; PubMed 27086564; PubMed 27256151.

NM_000103.4(CYP19A1):c.175dup (p.Leu59fs)

Genes: CYP19A1 (cytochrome P450 family 19 subfamily A member 1; minus strand), MIR4713HG (MIR4713 host gene; plus strand), PIRC66 (piwi-interacting RNA cluster 66; plus strand). Cytogenetic location: 15q21.2.
Variant type: Duplication.
Coding change: c.175dup on transcript NM_000103.4 (MANE Select); coding-DNA position 175, one base duplicated (C; older notation c.175dupC).
Protein change: p.Leu59fs; shifts the reading frame from leucine 59.
Molecular consequence: frameshift variant.
Genome position (GRCh38, 1-based): chr15:51,236,980, G duplicated on the plus strand (C on the coding strand, the reverse complement: CYP19A1 is on the minus strand); the first of 4 consecutive G bases (chr15:51,236,980-51,236,983); duplicating any one gives the same sequence. VCF-style (leftmost placement, unchanged base first): chr15-51236979-A-AG. GRCh37 (hg19) VCF-style: chr15-51529176-A-AG.
Other names: c.175dup, p.Leu59fs (NM_001347248.1, NM_001347249.2, NM_001347250.2 and 7 more transcripts); short protein forms L59fs.
Identifiers: ClinVar variation 4768346 (VCV004768346.1).
Genomic context (GRCh38, chr15:51,236,979, plus strand): 5'-CGGTTGTAGTAGTTGCAGGCACTGCCGATCCCCATCCACAGGAATCTGCCGTGGGAGATG[A>AG]GGGGTCCAATTCCCATGCAGTAGCCAGGACCTAGGACAGGTGTCAGAGCATAAGCAACAT-3'